The following is an entry in ClinVar:

NM_006031.6(PCNT):c.5322G>A (p.Glu1774=)

Gene: PCNT (pericentrin; plus strand). Cytogenetic location: 21q22.3.
Variant type: single nucleotide variant.
Coding change: c.5322G>A on transcript NM_006031.6 (MANE Select); coding-DNA position 5322, G replaced by A.
Protein change: p.Glu1774=; no amino-acid change (glutamic acid 1774 retained).
Molecular consequence: synonymous variant.
Genome position (GRCh38, 1-based): chr21:46,411,395, G>A. VCF-style: chr21-46411395-G-A. GRCh37 (hg19) VCF-style: chr21-47831309-G-A.
Other names: p.E1774E:GAG>GAA; c.4968G>A, p.Glu1656= (NM_001315529.2).
Identifiers: ClinVar variation 138619 (VCV000138619.17), dbSNP rs58559714, ClinGen allele CA173027.

ClinVar aggregate classification (germline): Benign. Review status: criteria provided, multiple submitters, no conflicts (2 of 4 stars). 5 submissions from 5 submitters: Benign (5). Last evaluated 2026-02-04.

Conditions:
Microcephalic osteodysplastic primordial dwarfism type II (MOPD2). Also called: Microcephalic osteodysplastic primordial dwarfism with tooth abnormalities; OSTEODYSPLASTIC PRIMORDIAL DWARFISM, TYPE II; MOPD II. Identifiers: Orphanet 2637, MedGen C0432246, MONDO:0008872, OMIM 210720.

Allele frequency attached by ClinVar (database versions not stated): ExAC 0.10355; 1000 Genomes Project 0.17871; gnomAD exomes 0.08071 and 0.09522; gnomAD 0.17932 and 0.18798; 1000 Genomes Project 30x 0.18582; TOPMed 0.18780; ESP Exome Variant Server 0.19775.
gnomAD v4.1: 146,073 of 1,613,660 alleles (9.1%); highest among the groups gnomAD compares: African/African-American, 45%; 12,213 homozygotes.

Submissions (5):

Labcorp Genetics (formerly Invitae), Labcorp
Classification: Benign. Last evaluated: 2026-02-04. Review status: criteria provided, single submitter. Criteria: Invitae Variant Classification Sherloc (09022015). Collection method: clinical testing. Allele origin: germline.

Illumina Laboratory Services, Illumina
Classification: Benign for Microcephalic osteodysplastic primordial dwarfism type II. Last evaluated: 2018-01-13. Review status: criteria provided, single submitter. Criteria: ICSL Variant Classification Criteria 13 December 2019. Collection method: clinical testing. Allele origin: germline.
Comment: This variant was observed in the ICSL laboratory as part of a predisposition screen in an ostensibly healthy population. It had not been previously curated by ICSL or reported in the Human Gene Mutation Database (HGMD: prior to June 1st, 2018), and was therefore a candidate for classification through an automated scoring system. Utilizing variant allele frequency, disease prevalence and penetrance estimates, and inheritance mode, an automated score was calculated to assess if this variant is too frequent to cause the disease. Based on the score and internal cut-off values, a variant classified as benign is not then subjected to further curation. The score for this variant resulted in a classification of benign for this disease.

GeneDx
Classification: Benign. Last evaluated: 2014-02-26. Review status: criteria provided, single submitter. Criteria: GeneDx Variant Classification (06012015). Collection method: clinical testing. Allele origin: germline. Affected: yes.
Comment: This variant is considered likely benign or benign based on one or more of the following criteria: it is a conservative change, it occurs at a poorly conserved position in the protein, it is predicted to be benign by multiple in silico algorithms, and/or has population frequency not consistent with disease.

Genetic Services Laboratory, University of Chicago
Classification: Benign. Last evaluated: 2013-02-08. Review status: criteria provided, single submitter. Criteria: ACMG Guidelines, 2007. Collection method: clinical testing. Allele origin: germline. Inheritance: Autosomal recessive inheritance.

Breakthrough Genomics
Classification: Benign. Review status: criteria provided, single submitter. Criteria: ACMG Guidelines, 2015. Collection method: not provided. Allele origin: germline. Inheritance: Autosomal recessive inheritance. Affected: yes.